The following is an entry in ClinVar:

NM_000238.4(KCNH2):c.1549_1551del (p.Ser517del)

Gene: KCNH2 (potassium voltage-gated channel subfamily H member 2; minus strand). Cytogenetic location: 7q36.1.
Variant type: Deletion.
Coding change: c.1549_1551del on transcript NM_000238.4 (MANE Select); coding-DNA positions 1549 to 1551, 3 bases deleted (TCT; older notation c.1549_1551delTCT).
Protein change: p.Ser517del; deletes serine 517.
Molecular consequence: inframe deletion. On other transcripts: non-coding transcript variant (2).
Genome position (GRCh38, 1-based): chr7:150,952,431-150,952,433, AGA deleted on the plus strand (TCT on the coding strand, the reverse complement: KCNH2 is on the minus strand). VCF-style (leftmost placement, unchanged base first): chr7-150952430-CAGA-C. GRCh37 (hg19) VCF-style: chr7-150649518-CAGA-C.
Other names: c.529_531del, p.Ser177del (NM_001204798.2, NM_172057.3); c.1261_1263del, p.Ser421del (NM_001406753.1, NM_001406756.1); c.1372_1374del, p.Ser458del (NM_001406755.1); c.1249_1251del, p.Ser417del (NM_001406757.1); c.1549_1551del, p.Ser517del (NM_172056.3); short protein forms S177del, S417del, S421del, S458del, S517del.
Identifiers: ClinVar variation 3070369 (VCV003070369.1), dbSNP rs2486045424, ClinGen allele CA2685610029.
Genomic context (GRCh38, chr7:150,952,430, plus strand): 5'-ACCACATTCCTGGCCTCTCCTCTCCCTACACCACCTGCCTCCTTGCTGACCCCACCTCCT[CAGA>C]GCCAGAGCCGAAGATGAGCAGGTCGAAGGGGATGGCGGCCACCATGTCGATGAGGAACCA-3'

ClinVar aggregate classification (germline): Uncertain significance (1 of 4 stars; one submission).

Conditions:
Long QT syndrome (LQTS). Identifiers: MedGen C0023976, MeSH D008133, MONDO:0002442. Disease mechanism: loss of function. Inheritance: Various modes of inheritance.

Allele frequency attached by ClinVar (database versions not stated): gnomAD exomes below 0.00001.

Submission:

All of Us Research Program, National Institutes of Health
Classification: Uncertain significance for Long QT syndrome. Last evaluated: 2023-04-10. Review status: criteria provided, single submitter. Criteria: ACMG Guidelines, 2015. Collection method: clinical testing. Allele origin: germline. Inheritance: Autosomal dominant inheritance. Observed: 1 variant allele, 1 heterozygote.
Comment: This variant causes a deletion of serine at codon 517 of the KCNH2 protein. To our knowledge, functional studies have not been reported for this variant. This variant has not been reported in individuals affected with KCNH2-related disorders in the literature. This variant has not been identified in the general population by the Genome Aggregation Database (gnomAD). The available evidence is insufficient to determine the role of this variant in disease conclusively. Therefore, this variant is classified as a Variant of Uncertain Significance.

This study involves interpretation of variants in research participants for the purpose of population health screening. Participant phenotype was not available at the time of variant classification. Additional details can be found in publication PMID: 35346344, PMCID: PMC8962531